The following is an entry in ClinVar:

ClinVar aggregate classification (germline): Likely benign. Review status: criteria provided, multiple submitters, no conflicts (2 of 4 stars). 7 submissions from 7 submitters: Likely benign (7). Last evaluated 2025-10-20.

Conditions:
Cardiovascular phenotype. Identifiers: MedGen CN230736.
Arrhythmogenic right ventricular dysplasia 10. Also called: Arrhythmogenic right ventricular dysplasia/cardiomyopathy, type 10; Arrhythmogenic Right Ventricular Dysplasia/Cardiomyopathy10; ARRHYTHMOGENIC RIGHT VENTRICULAR DYSPLASIA, FAMILIAL, 10. Identifiers: MedGen C1857777, MONDO:0012434, OMIM 610193.
Dilated cardiomyopathy 1BB (CMD1BB). Also called: CARDIOMYOPATHY, DILATED, 1BB, SUSCEPTIBILITY TO. Identifiers: Orphanet 154, MedGen C2752072, MONDO:0013030, OMIM 612877.
Cardiomyopathy (CMYO). Also called: Cardiomyopathies. Identifiers: Orphanet 167848, MedGen C0878544, MONDO:0004994, HP:0001638. Inheritance: Various modes of inheritance.

Allele frequency attached by ClinVar (database versions not stated): gnomAD 0.00001 and 0.00005; TOPMed 0.00001; gnomAD exomes 0.00014; ExAC 0.00018; 1000 Genomes Project 30x 0.00031.
gnomAD v4.1: 131 of 1,614,134 alleles (0.0081%); highest among the groups gnomAD compares: South Asian, 0.13%; 3 homozygotes.

Submissions (7):

Women's Health and Genetics/Laboratory Corporation of America, LabCorp
Classification: Likely benign. Last evaluated: 2025-10-20. Review status: criteria provided, single submitter. Criteria: LabCorp Variant Classification Summary - May 2015. Collection method: clinical testing. Allele origin: germline.
Comment: Variant summary: DSG2 c.2750C>T (p.Ala917Val) results in a non-conservative amino acid change in the encoded protein sequence. Algorithms developed to predict the effect of missense changes on protein structure and function are either unavailable or do not agree on the potential impact of this missense change. The variant allele was found at a frequency of 8.2e-05 in 1607160 control chromosomes, predominantly at a frequency of 0.0013 within the South Asian subpopulation in the gnomAD database, including 3 homozygotes. The observed variant frequency within South Asian control individuals in the gnomAD database exceeds the estimated maximal expected allele frequency for disease-causing variants in DSG2. To our knowledge, no occurrence of c.2750C>T in individuals affected with DSG2-related conditions and no experimental evidence demonstrating its impact on protein function have been reported. ClinVar contains an entry for this variant (Variation ID: 199792). Based on the evidence outlined above, the variant was classified as likely benign.

Ambry Genetics
Classification: Likely benign for Cardiovascular phenotype. Last evaluated: 2025-09-02. Review status: criteria provided, single submitter. Criteria: Ambry Variant Classification Scheme 2023. Collection method: clinical testing. Allele origin: germline.

Labcorp Genetics (formerly Invitae), Labcorp
Classification: Likely benign for Arrhythmogenic right ventricular dysplasia 10. Last evaluated: 2025-06-17. Review status: criteria provided, single submitter. Criteria: Invitae Variant Classification Sherloc (09022015). Collection method: clinical testing. Allele origin: germline.

Blueprint Genetics
Classification: Likely benign. Last evaluated: 2023-02-16. Review status: criteria provided, single submitter. Criteria: ACMG Guidelines, 2015. Collection method: clinical testing. Allele origin: germline.

Fulgent Genetics
Classification: Likely benign for Arrhythmogenic right ventricular dysplasia 10; Dilated cardiomyopathy 1BB. Last evaluated: 2021-08-10. Review status: criteria provided, single submitter. Criteria: ACMG Guidelines, 2015. Collection method: clinical testing. Allele origin: unknown.

Color Diagnostics, LLC DBA Color Health
Classification: Likely benign for Cardiomyopathy. Last evaluated: 2020-01-06. Review status: criteria provided, single submitter. Criteria: ACMG Guidelines, 2015. Collection method: clinical testing. Allele origin: germline.

GeneDx
Classification: Likely benign. Last evaluated: 2017-10-26. Review status: criteria provided, single submitter. Criteria: GeneDx Variant Classification (06012015). Collection method: clinical testing. Allele origin: germline. Affected: yes.
Comment: This variant is considered likely benign or benign based on one or more of the following criteria: it is a conservative change, it occurs at a poorly conserved position in the protein, it is predicted to be benign by multiple in silico algorithms, and/or has population frequency not consistent with disease.

NM_001943.5(DSG2):c.2750C>T (p.Ala917Val)

Genes: DSG2 (desmoglein 2; plus strand), DSG2-AS1 (DSG2 antisense RNA 1; minus strand). Cytogenetic location: 18q12.1.
Variant type: single nucleotide variant.
Coding change: c.2750C>T on transcript NM_001943.5 (MANE Select); coding-DNA position 2750, C replaced by T.
Protein change: p.Ala917Val; replaces alanine 917 with valine.
Molecular consequence: missense variant.
Genome position (GRCh38, 1-based): chr18:31,546,136, C>T. VCF-style: chr18-31546136-C-T. GRCh37 (hg19) VCF-style: chr18-29126099-C-T.
Other names: p.A917V:GCG>GTG; c.2750C>T (LRG_397t1); short protein forms A917V.
Identifiers: ClinVar variation 199792 (VCV000199792.17), dbSNP rs775670183, ClinGen allele CA021887.